The following is an entry in ClinVar:

NM_001130144.3(LTBP3):c.1610G>A (p.Arg537Gln)

Gene: LTBP3 (latent transforming growth factor beta binding protein 3; minus strand). Cytogenetic location: 11q13.1.
Variant type: single nucleotide variant.
Coding change: c.1610G>A on transcript NM_001130144.3 (MANE Select); coding-DNA position 1610, G replaced by A.
Protein change: p.Arg537Gln; replaces arginine 537 with glutamine.
Molecular consequence: missense variant.
Genome position (GRCh38, 1-based): chr11:65,551,413, C>T on the plus strand (G>A on the coding strand, the complement: LTBP3 is on the minus strand). VCF-style: chr11-65551413-C-T. GRCh37 (hg19) VCF-style: chr11-65318884-C-T.
Other names: c.1259G>A, p.Arg420Gln (NM_001164266.1); c.1610G>A, p.Arg537Gln (NM_021070.4); short protein forms R537Q, R420Q.
Identifiers: ClinVar variation 1384268 (VCV001384268.8), dbSNP rs779937464, ClinGen allele CA6100920.
Genomic context (GRCh38, chr11:65,551,413, plus strand): 5'-ACCCAGTGATTTAGCCCTTGAGGACTCATCCCTACAGTGCCCAGCTCACCGGGGTAGGGC[C>T]GGGCAGGAGTCGTGGTGGCAGTTGGGTGGCTCTGCTGCACTGACCTCTCCTCACTCACCG-3'
Protein context (NP_001123616.1, residues 527-547): SHPTATTTPA[Arg537Gln]PYPELISRPS

ClinVar aggregate classification (germline): Uncertain significance (1 of 4 stars; one submission).

Conditions:
Brachyolmia-amelogenesis imperfecta syndrome. Also called: PLATYSPONDYLY WITH AMELOGENESIS IMPERFECTA; Tooth agenesis, selective, 6; Dental anomalies and short stature. Identifiers: Orphanet 2899, MedGen C1832594, MONDO:0011018, OMIM 601216. Disease mechanism: loss of function.

Allele frequency attached by ClinVar (database versions not stated): gnomAD exomes 0.00001; ExAC 0.00003; gnomAD 0.00004; TOPMed 0.00004.
gnomAD v4.1: 75 of 1,613,298 alleles (0.0046%); highest among the groups gnomAD compares: Admixed American, 0.0083%; no homozygotes.

Submission:

Labcorp Genetics (formerly Invitae), Labcorp
Classification: Uncertain significance for Brachyolmia-amelogenesis imperfecta syndrome. Last evaluated: 2025-10-13. Review status: criteria provided, single submitter. Criteria: Invitae Variant Classification Sherloc (09022015). Collection method: clinical testing. Allele origin: germline.
Comment: This sequence change replaces arginine, which is basic and polar, with glutamine, which is neutral and polar, at codon 537 of the LTBP3 protein (p.Arg537Gln). This variant is present in population databases (rs779937464, gnomAD 0.003%). This variant has not been reported in the literature in individuals affected with LTBP3-related conditions. ClinVar contains an entry for this variant (Variation ID: 1384268). An algorithm developed to predict the effect of missense changes on protein structure and function (PolyPhen-2) suggests that this variant is likely to be tolerated. In summary, the available evidence is currently insufficient to determine the role of this variant in disease. Therefore, it has been classified as a Variant of Uncertain Significance.